The following is an entry in ClinVar:

ClinVar aggregate classification (germline): Uncertain significance (1 of 4 stars; one submission).

Conditions:
Inborn genetic diseases. Identifiers: MedGen C0950123, MeSH D030342.

Allele frequency attached by ClinVar (database versions not stated): TOPMed below 0.00001; ExAC 0.00001; gnomAD 0.00001; gnomAD exomes 0.00001.
gnomAD v4.1: 23 of 1,613,872 alleles (0.0014%); highest among the groups gnomAD compares: Non-Finnish European, 0.0018%; no homozygotes.

Submission:

Ambry Genetics
Classification: Uncertain significance for Inborn genetic diseases. Last evaluated: 2022-09-26. Review status: criteria provided, single submitter. Criteria: Ambry Variant Classification Scheme 2023. Collection method: clinical testing. Allele origin: germline.
Comment: The c.479G>T (p.G160V) alteration is located in exon 3 (coding exon 3) of the ALG11 gene. This alteration results from a G to T substitution at nucleotide position 479, causing the glycine (G) at amino acid position 160 to be replaced by a valine (V). Based on data from gnomAD, the T allele has an overall frequency of 0.002% (5/251470) total alleles studied. The highest observed frequency was 0.016% (1/6138) of Other alleles. This variant has been confirmed in trans with an ALG11 pathogenic variant in an individual with clinical features of ALG11-related type I congenital disorder of glycosylation (Regal, 2015). This amino acid position is highly conserved in available vertebrate species. The in silico prediction for this alteration is inconclusive. Based on insufficient or conflicting evidence, the clinical significance of this alteration remains unclear.

Literature cited by the submitters: PubMed 28649519.

NM_001004127.3(ALG11):c.479G>T (p.Gly160Val)

Gene: ALG11 (ALG11 alpha-1,2-mannosyltransferase; plus strand). Cytogenetic location: 13q14.3.
Variant type: single nucleotide variant.
Coding change: c.479G>T on transcript NM_001004127.3 (MANE Select); coding-DNA position 479, G replaced by T.
Protein change: p.Gly160Val; replaces glycine 160 with valine.
Molecular consequence: missense variant.
Genome position (GRCh38, 1-based): chr13:52,024,209, G>T. VCF-style: chr13-52024209-G-T. GRCh37 (hg19) VCF-style: chr13-52598345-G-T.
Other names: short protein forms G160V.
Identifiers: ClinVar variation 2308627 (VCV002308627.2), dbSNP rs757377924, ClinGen allele CA6989917.